The following is an entry in ClinVar:

NM_000064.4(C3):c.3656G>A (p.Arg1219His)

Gene: C3 (complement C3; minus strand). Cytogenetic location: 19p13.3.
Variant type: single nucleotide variant.
Coding change: c.3656G>A on transcript NM_000064.4 (MANE Select); coding-DNA position 3656, G replaced by A.
Protein change: p.Arg1219His; replaces arginine 1219 with histidine.
Molecular consequence: missense variant.
Genome position (GRCh38, 1-based): chr19:6,686,278, C>T on the plus strand (G>A on the coding strand, the complement: C3 is on the minus strand). VCF-style: chr19-6686278-C-T. GRCh37 (hg19) VCF-style: chr19-6686289-C-T.
Other names: short protein forms R1219H.
Identifiers: ClinVar variation 2152301 (VCV002152301.5), dbSNP rs369542526, ClinGen allele CA9128664.

ClinVar aggregate classification (germline): Uncertain significance. Review status: criteria provided, multiple submitters, no conflicts (2 of 4 stars). 2 submissions from 2 submitters: Uncertain significance (2). Last evaluated 2025-11-18.

Conditions:
Atypical hemolytic-uremic syndrome. Identifiers: Orphanet 2134, MedGen C2931788, MONDO:0016244.
Complement component 3 deficiency. Identifiers: Orphanet 280133, MedGen C3151071, MONDO:0013417, OMIM 613779.
C3 glomerulonephritis. Also called: C3 GLOMERULOPATHY 3; Nephropathy due to CFHR5 Deficiency. Identifiers: Orphanet 329931, MedGen C4055342, MONDO:0013892, OMIM 614809.

Allele frequency attached by ClinVar (database versions not stated): ESP Exome Variant Server 0.00008.
gnomAD v4.1: 19 of 1,613,908 alleles (0.0012%); highest among the groups gnomAD compares: Middle Eastern, 0.017%; no homozygotes.

Submissions (2):

Labcorp Genetics (formerly Invitae), Labcorp
Classification: Uncertain significance. Last evaluated: 2025-11-18. Review status: criteria provided, single submitter. Criteria: Invitae Variant Classification Sherloc (09022015). Collection method: clinical testing. Allele origin: germline.
Comment: This sequence change replaces arginine, which is basic and polar, with histidine, which is basic and polar, at codon 1219 of the C3 protein (p.Arg1219His). This variant is present in population databases (rs369542526, gnomAD 0.01%). This missense change has been observed in individual(s) with C3-related conditions (PMID: 29888403). ClinVar contains an entry for this variant (Variation ID: 2152301). Invitae Evidence Modeling of protein sequence and biophysical properties (such as structural, functional, and spatial information, amino acid conservation, physicochemical variation, residue mobility, and thermodynamic stability) indicates that this missense variant is not expected to disrupt C3 protein function with a negative predictive value of 80%. In summary, the available evidence is currently insufficient to determine the role of this variant in disease. Therefore, it has been classified as a Variant of Uncertain Significance.

Genomenon, Inc
Classification: Uncertain significance for Complement component 3 deficiency; C3 glomerulonephritis; Atypical hemolytic-uremic syndrome. Last evaluated: 2025-09-30. Review status: criteria provided, single submitter. Criteria: Genomenon Sequence Variant Interpretation Standards. Collection method: curation. Allele origin: germline. Affected: no.
Comment: C3 p.Arg1219His (c.3656G>A) is a missense variant that changes the amino acid at residue 1219 from Arginine to Histidine. This variant has been reported in the published literature (PMID:27718086). It is absent or not present at a significant frequency in gnomAD. In silico models agree that this variant is not damaging. In conclusion, we classify C3 p.Arg1219His (c.3656G>A) as a variant of unknown significance.

Literature cited by the submitters: PubMed 29888403 (cited by Labcorp Genetics (formerly Invitae), Labcorp); PubMed 27718086 (cited by Genomenon, Inc).